The following is an entry in ClinVar:

ClinVar aggregate classification (germline): Uncertain significance (1 of 4 stars; one submission).

gnomAD v4.1: 1 of 1,459,784 alleles (0.000069%); no homozygotes.

Submission:

GeneDx
Classification: Uncertain significance. Last evaluated: 2025-01-08. Review status: criteria provided, single submitter. Criteria: GeneDx Variant Classification Process June 2021. Collection method: clinical testing. Allele origin: germline. Affected: yes.
Comment: Not observed at significant frequency in large population cohorts (gnomAD); In silico analysis supports that this missense variant has a deleterious effect on protein structure/function; Has not been previously published as pathogenic or benign to our knowledge

NM_001453.3(FOXC1):c.764C>T (p.Pro255Leu)

Gene: FOXC1 (forkhead box C1; plus strand). Cytogenetic location: 6p25.3.
Variant type: single nucleotide variant.
Coding change: c.764C>T on transcript NM_001453.3 (MANE Select); coding-DNA position 764, C replaced by T.
Protein change: p.Pro255Leu; replaces proline 255 with leucine.
Molecular consequence: missense variant.
Genome position (GRCh38, 1-based): chr6:1,611,209, C>T. VCF-style: chr6-1611209-C-T. GRCh37 (hg19) VCF-style: chr6-1611444-C-T.
Other names: short protein forms P255L.
Identifiers: ClinVar variation 4056847 (VCV004056847.1).
Genomic context (GRCh38, chr6:1,611,209, plus strand): 5'-CGCCGCCCCAGCCCCTGTCCCCGGCCGCCGCCCTGGGCAGCGGCAGCGCCGCCGCGGTGC[C>T]CAAGATCGAGAGCCCCGACAGCAGCAGCAGCAGCCTGTCCAGCGGGAGCAGCCCCCCGGG-3'
Protein context (NP_001444.2, residues 245-265): ALGSGSAAAV[Pro255Leu]KIESPDSSSS